The following is an entry in ClinVar:

NM_000379.4(XDH):c.1108G>A (p.Ala370Thr)

Gene: XDH (xanthine dehydrogenase; minus strand). Cytogenetic location: 2p23.1.
Variant type: single nucleotide variant.
Coding change: c.1108G>A on transcript NM_000379.4 (MANE Select); coding-DNA position 1108, G replaced by A.
Protein change: p.Ala370Thr; replaces alanine 370 with threonine.
Molecular consequence: missense variant.
Genome position (GRCh38, 1-based): chr2:31,381,657, C>T on the plus strand (G>A on the coding strand, the complement: XDH is on the minus strand). VCF-style: chr2-31381657-C-T. GRCh37 (hg19) VCF-style: chr2-31604523-C-T.
Other names: short protein forms A370T.
Identifiers: ClinVar variation 2153073 (VCV002153073.2), dbSNP rs1170922685, ClinGen allele CA346508301.
Genomic context (GRCh38, chr2:31,381,657, plus strand): 5'-GTCCTTCTTCCTGGACCTCTGCTTCAGGCAGCTCACCTCTGGACACAAGTGTCAGCTTGG[C>T]CCCACTGGCCATGAACACGGGGTTGAGGTCGGAGATGGGGCTGGCAGTGATGATGTTCCC-3'
Protein context (NP_000370.2, residues 360-380): DLNPVFMASG[Ala370Thr]KLTLVSRGTR

ClinVar aggregate classification (germline): Uncertain significance. Review status: criteria provided, multiple submitters, no conflicts (2 of 4 stars). 2 submissions from 2 submitters: Uncertain significance (2). Last evaluated 2024-01-30.

Conditions:
Xanthinuria type II. Also called: Xanthine dehydrogenase and aldehyde oxidase combined deficiency of; XDH and AOX dual deficiency. Identifiers: Orphanet 3467, Orphanet 93602, MedGen C1863688, MONDO:0011346, OMIM 603592.
Hereditary xanthinuria type 1 (XAN1). Identifiers: Orphanet 3467, Orphanet 93601, MedGen C0268118, MONDO:0010209, OMIM 278300.

Allele frequency attached by ClinVar (database versions not stated): gnomAD 0.00001.
gnomAD v4.1: 6 of 1,613,992 alleles (0.00037%); highest among the groups gnomAD compares: Admixed American, 0.0033%; no homozygotes.

Submissions (2):

Fulgent Genetics
Classification: Uncertain significance for Hereditary xanthinuria type 1. Last evaluated: 2024-01-30. Review status: criteria provided, single submitter. Criteria: ACMG Guidelines, 2015. Collection method: clinical testing. Allele origin: germline.

Labcorp Genetics (formerly Invitae), Labcorp
Classification: Uncertain significance for Xanthinuria type II. Last evaluated: 2022-07-27. Review status: criteria provided, single submitter. Criteria: Invitae Variant Classification Sherloc (09022015). Collection method: clinical testing. Allele origin: germline.
Comment: This sequence change replaces alanine, which is neutral and non-polar, with threonine, which is neutral and polar, at codon 370 of the XDH protein (p.Ala370Thr). This variant is not present in population databases (gnomAD no frequency). This variant has not been reported in the literature in individuals affected with XDH-related conditions. Algorithms developed to predict the effect of missense changes on protein structure and function output the following: SIFT: "Tolerated"; PolyPhen-2: "Benign"; Align-GVGD: "Class C0". The threonine amino acid residue is found in multiple mammalian species, which suggests that this missense change does not adversely affect protein function. In summary, the available evidence is currently insufficient to determine the role of this variant in disease. Therefore, it has been classified as a Variant of Uncertain Significance.